The following is an entry in ClinVar:

ClinVar aggregate classification (germline): Pathogenic (1 of 4 stars; one submission).

Conditions:
Hereditary cancer-predisposing syndrome. Also called: Hereditary Cancer Syndrome; Neoplastic Syndromes, Hereditary; Hereditary neoplastic syndrome; Tumor predisposition. Identifiers: Orphanet 140162, MedGen C0027672, MeSH D009386, MONDO:0015356.

Submission:

Ambry Genetics
Classification: Pathogenic for Hereditary cancer-predisposing syndrome. Last evaluated: 2013-05-13. Review status: criteria provided, single submitter. Criteria: Ambry Autosomal Dominant and X-Linked criteria (10/2015). Collection method: clinical testing. Allele origin: germline. Observed: 1 variant allele.
Comment: This alteration occurs at the 3' terminus of theâ€¯APC gene and is not expected to trigger nonsense-mediated mRNA decay. However, premature stop codons are typically deleterious in nature, the impacted region is critical for protein function, and a significant portion of the protein is affected (Ambry internal data). Based on the supporting evidence, this alteration is interpreted as a disease-causing mutation.

NM_000038.6(APC):c.5822dup (p.Asp1942fs)

Gene: APC (APC regulator of Wnt signaling pathway; plus strand). Cytogenetic location: 5q22.2.
Variant type: Duplication.
Coding change: c.5822dup on transcript NM_000038.6 (MANE Select); coding-DNA position 5822, one base duplicated (C; older notation c.5822dupC).
Protein change: p.Asp1942fs; shifts the reading frame from aspartic acid 1942.
Molecular consequence: frameshift variant.
Genome position (GRCh38, 1-based): chr5:112,841,416, C duplicated; the last of 2 consecutive C bases (chr5:112,841,415-112,841,416); duplicating either gives the same sequence. VCF-style (leftmost placement, unchanged base first): chr5-112841414-A-AC. GRCh37 (hg19) VCF-style: chr5-112177111-A-AC.
Other names: c.5822dup, p.Asp1942fs (NM_001127510.3, NM_001354895.2); c.5768dup, p.Asp1924fs (NM_001127511.3); c.5876dup, p.Asp1960fs (NM_001354896.2); c.5852dup, p.Asp1952fs (NM_001354897.2); c.5747dup, p.Asp1917fs (NM_001354898.2); c.5738dup, p.Asp1914fs (NM_001354899.2); c.5699dup, p.Asp1901fs (NM_001354900.2); c.5645dup, p.Asp1883fs (NM_001354901.2); and 6 more; short protein forms D1782fs, D1816fs, D1883fs, D1901fs, D1952fs, D1960fs, D1851fs, D1914fs.
Identifiers: ClinVar variation 428098 (VCV000428098.3), dbSNP rs1114167549, ClinGen allele CA645369383.